The following is an entry in ClinVar:

ClinVar aggregate classification (germline): Uncertain significance (1 of 4 stars; one submission).

Submission:

Labcorp Genetics (formerly Invitae), Labcorp
Classification: Uncertain significance. Last evaluated: 2025-08-15. Review status: criteria provided, single submitter. Criteria: Invitae Variant Classification Sherloc (09022015). Collection method: clinical testing. Allele origin: germline.
Comment: This sequence change replaces glutamic acid, which is acidic and polar, with aspartic acid, which is acidic and polar, at codon 903 of the FAT1 protein (p.Glu903Asp). This variant is not present in population databases (gnomAD no frequency). This variant has not been reported in the literature in individuals affected with FAT1-related conditions. Invitae Evidence Modeling of protein sequence and biophysical properties (such as structural, functional, and spatial information, amino acid conservation, physicochemical variation, residue mobility, and thermodynamic stability) indicates that this missense variant is not expected to disrupt FAT1 protein function with a negative predictive value of 80%. In summary, the available evidence is currently insufficient to determine the role of this variant in disease. Therefore, it has been classified as a Variant of Uncertain Significance.

NM_005245.4(FAT1):c.2709A>C (p.Glu903Asp)

Gene: FAT1 (FAT atypical cadherin 1; minus strand). Cytogenetic location: 4q35.2.
Variant type: single nucleotide variant.
Coding change: c.2709A>C on transcript NM_005245.4 (MANE Select); coding-DNA position 2709, A replaced by C.
Protein change: p.Glu903Asp; replaces glutamic acid 903 with aspartic acid.
Molecular consequence: missense variant.
Genome position (GRCh38, 1-based): chr4:186,707,119, T>G on the plus strand (A>C on the coding strand, the complement: FAT1 is on the minus strand). VCF-style: chr4-186707119-T-G. GRCh37 (hg19) VCF-style: chr4-187628273-T-G.
Other names: c.2709A>C, p.Glu903Asp (NM_001440455.1, NM_001440456.1, NM_001440457.1); short protein forms E903D.
Identifiers: ClinVar variation 4741822 (VCV004741822.1).